The following is an entry in ClinVar:

NM_025074.7(FRAS1):c.4679-9C>T

Gene: FRAS1 (Fraser extracellular matrix complex subunit 1; plus strand). Cytogenetic location: 4q21.21.
Variant type: single nucleotide variant.
Coding change: c.4679-9C>T on transcript NM_025074.7 (MANE Select); 9 bases into the intron before coding-DNA position 4679, C replaced by T.
Molecular consequence: intron variant.
Genome position (GRCh38, 1-based): chr4:78,424,379, C>T. VCF-style: chr4-78424379-C-T. GRCh37 (hg19) VCF-style: chr4-79345533-C-T.
Other names: c.4679-9C>T (NM_001166133.2).
Identifiers: ClinVar variation 905843 (VCV000905843.15), dbSNP rs541669781, ClinGen allele CA2977291.

ClinVar aggregate classification (germline): Conflicting classifications of pathogenicity. Review status: criteria provided, conflicting classifications (1 of 4 stars). 4 submissions from 4 submitters: Uncertain significance (1); Likely benign (2). 1 of the submissions does not count toward it. Last evaluated 2026-01-28.

Conditions:
FRAS1-related disorder. Also called: FRAS1-related condition.
Fraser syndrome 1 (FRASRS1). Also called: CRYPTOPHTHALMOS WITH OTHER MALFORMATIONS. Identifiers: Orphanet 2052, MedGen C4551480, MONDO:0054737, OMIM 219000.

Allele frequency attached by ClinVar (database versions not stated): ExAC 0.00004; gnomAD exomes 0.00008; gnomAD 0.00013 and 0.00016; TOPMed 0.00017.
gnomAD v4.1: 119 of 1,455,558 alleles (0.0082%); highest among the groups gnomAD compares: Middle Eastern, 0.052%; no homozygotes.

Submissions (4):

Labcorp Genetics (formerly Invitae), Labcorp
Classification: Likely benign. Last evaluated: 2026-01-28. Review status: criteria provided, single submitter. Criteria: Invitae Variant Classification Sherloc (09022015). Collection method: clinical testing. Allele origin: germline.

Blueprint Genetics
Classification: Likely benign. Last evaluated: 2024-10-07. Review status: criteria provided, single submitter. Criteria: ACMG Guidelines, 2015. Collection method: clinical testing. Allele origin: germline.

Illumina Laboratory Services, Illumina
Classification: Uncertain significance for Fraser syndrome 1. Last evaluated: 2018-01-13. Review status: criteria provided, single submitter. Criteria: ICSL Variant Classification Criteria 13 December 2019. Collection method: clinical testing. Allele origin: germline.

PreventionGenetics, part of Exact Sciences
Classification: Likely benign for FRAS1-related condition. Last evaluated: 2021-06-24. Review status: no assertion criteria provided. Collection method: clinical testing. Allele origin: germline. Not counted in ClinVar's aggregate classification.
Comment: This variant is classified as likely benign based on ACMG/AMP sequence variant interpretation guidelines (Richards et al. 2015 PMID: 25741868, with internal and published modifications).